The following continues an entry in ClinVar:

NM_003742.4(ABCB11):c.1460G>A (p.Arg487His)

Gene: ABCB11. ClinVar aggregate classification (germline): Pathogenic/Likely pathogenic. Pathogenic (10); Likely pathogenic (8).

Submissions 10 to 19 of 19:

Baylor Genetics
Classification: Pathogenic for Benign recurrent intrahepatic cholestasis type 2. Last evaluated: 2024-03-25. Review status: criteria provided, single submitter. Criteria: ACMG Guidelines, 2015. Collection method: clinical testing. Allele origin: unknown.

Department of Genetics, Sultan Qaboos University Hospital
Classification: Likely pathogenic for Progressive familial intrahepatic cholestasis type 2. Last evaluated: 2023-11-30. Review status: criteria provided, single submitter. Criteria: ACMG Guidelines, 2015. Collection method: curation. Allele origin: unknown. Affected: yes.

Department of Pathology and Laboratory Medicine, Sinai Health System
Classification: Likely pathogenic for Progressive familial intrahepatic cholestasis type 2; Benign recurrent intrahepatic cholestasis type 2. Last evaluated: 2023-02-22. Review status: criteria provided, single submitter. Criteria: ACMG Guidelines, 2015. Collection method: research. Allele origin: germline.

Revvity Omics, Revvity
Classification: Likely pathogenic. Last evaluated: 2023-02-07. Review status: criteria provided, single submitter. Criteria: ACMG Guidelines, 2015. Collection method: clinical testing. Allele origin: germline.

Women's Health and Genetics/Laboratory Corporation of America, LabCorp
Classification: Pathogenic for Progressive familial intrahepatic cholestasis. Last evaluated: 2021-12-27. Review status: criteria provided, single submitter. Criteria: LabCorp Variant Classification Summary - May 2015. Collection method: clinical testing. Allele origin: germline.
Comment: Variant summary: ABCB11 c.1460G>A (p.Arg487His) results in a non-conservative amino acid change located in the ABC transporter-like, ATP-binding domain (IPR003439) of the encoded protein sequence. Five of five in-silico tools predict a damaging effect of the variant on protein function. The variant allele was found at a frequency of 9.3e-05 in 247784 control chromosomes. This frequency is not significantly higher than estimated for a pathogenic variant in ABCB11 causing Familial Intrahepatic Cholestasis (9.3e-05 vs 0.0022), allowing no conclusion about variant significance. c.1460G>A has been reported in the literature as a compound heterozygous genotype in multiple individuals affected with Familial Intrahepatic Cholestasis (example, Goto_2003, Li Wang_2016, Togawa_2016, Liu_2018, Ting Li_2020). These data indicate that the variant is very likely to be associated with disease. To our knowledge, no experimental evidence demonstrating an impact on protein function has been reported. Four clinical diagnostic laboratories have submitted clinical-significance assessments for this variant to ClinVar after 2014 without evidence for independent evaluation (likely pathogenic, n=3; VUS, n=1). At-least one submitter cites overlapping but not identical evidence utilized in the context of this evaluation. Based on the evidence outlined above, the variant was classified as pathogenic.

Mayo Clinic Laboratories, Mayo Clinic
Classification: Pathogenic. Last evaluated: 2021-12-14. Review status: criteria provided, single submitter. Criteria: ACMG Guidelines, 2015. Collection method: clinical testing. Allele origin: germline.
Comment: PP3, PM2, PM3_strong, PM5, PS3_moderate

Illumina Laboratory Services, Illumina
Classification: Pathogenic for Progressive familial intrahepatic cholestasis type 2. Last evaluated: 2020-04-28. Review status: criteria provided, single submitter. Criteria: ICSLVariantClassificationCriteria RUGD 01 April 2020. Collection method: clinical testing. Allele origin: unknown.
Comment: The ABCB11 c.1460G>A p.(Arg487His) missense has been identified in individuals with a phenotype consistent with progressive familial intrahepatic cholestasis (Goto et al. 2003; Strautnieks et al. 2008; Smith Jericho et al. 2015; Togawa et al. 2016; Wang et al. 2016; Dröge et al. 2017; Nakano et al. 2019; Liu et al. 2020). The p.(Arg487His) variant is reported at a frequency of 0.0001726 in the European (non-Finnish) population of the Genome Aggregation Database (version 2.1.1). The variant is located within the conserved nucleotide binding domain of the protein (Wang et al. 2020). Ectopic overexpression of the p.(Arg487His) variant in the liver cell line HepG2, resulted in mislocalisation within the endoplasmic reticulum (ER) when compared to the wild type control which localized to the bile canaliculus (Nakano et al. 2019). Expression studies in HEK293 cells indicated that whilst the majority of the mutant protein was retained in the ER, the portion of the p.(Arg487His) variant protein which did localize to the cell membrane, retained ABCB11 ATP-dependent transporter activity (Nakano et al. 2019). Based on the available evidence the c.1460G>A p.(Arg487His) variant is classified as pathogenic for progressive familial intrahepatic cholestasis.

Fulgent Genetics
Classification: Likely pathogenic for Progressive familial intrahepatic cholestasis type 2; Benign recurrent intrahepatic cholestasis type 2. Last evaluated: 2018-10-31. Review status: criteria provided, single submitter. Criteria: ACMG Guidelines, 2015. Collection method: clinical testing. Allele origin: unknown.

Eurofins Ntd Llc (ga)
Classification: Likely pathogenic. Last evaluated: 2017-10-03. Review status: criteria provided, single submitter. Criteria: EGL Classification Definitions 2015. Collection method: clinical testing. Allele origin: germline. Observed: 4 variant alleles, 3 heterozygotes, 1 homozygote.

NIHR Bioresource Rare Diseases, University of Cambridge
Classification: Likely pathogenic for Cholestasis, intrahepatic, of pregnancy, 3. Review status: no assertion criteria provided. Collection method: research. Allele origin: unknown. Affected: yes. Observed: 1 variant allele. Not counted in ClinVar's aggregate classification.

Literature cited by the submitters: PubMed 38665279 (cited by Genomenon, Inc and Center for Genomic Medicine, Rigshospitalet, Copenhagen University Hospital); PubMed 32695736 (cited by Genomenon, Inc); PubMed 32309332 (cited by 3 submitters); PubMed 31745229 (cited by 5 submitters); PubMed 28733223 (cited by 3 submitters); PubMed 12717091 (cited by 6 submitters); PubMed 18692205 (cited by 3 submitters); PubMed 26858187 (cited by 3 submitters); PubMed 27050426 (cited by 5 submitters); PubMed 29104077 (cited by Dasa and Mayo Clinic Laboratories, Mayo Clinic); PubMed 38341604 (cited by Dasa); PubMed 33750401 (cited by Dasa); PubMed 23022423 (cited by Center for Genomic Medicine, Rigshospitalet, Copenhagen University Hospital); PubMed 18395098 (cited by Labcorp Genetics (formerly Invitae), Labcorp); PubMed 32808743 (cited by Natera, Inc. and Women's Health and Genetics/Laboratory Corporation of America, LabCorp); PubMed 29412511 (cited by Women's Health and Genetics/Laboratory Corporation of America, LabCorp); PubMed 20683201 (cited by Women's Health and Genetics/Laboratory Corporation of America, LabCorp); PubMed 19750581 (cited by Mayo Clinic Laboratories, Mayo Clinic); PubMed 24339557 (cited by Mayo Clinic Laboratories, Mayo Clinic); PubMed 27426735 (cited by Mayo Clinic Laboratories, Mayo Clinic); PubMed 32581362 (cited by Mayo Clinic Laboratories, Mayo Clinic and NIHR Bioresource Rare Diseases, University of Cambridge).